The following is an entry in ClinVar:

NM_000262.3(NAGA):c.40C>T (p.Gln14Ter)

Genes: NAGA (alpha-N-acetylgalactosaminidase; minus strand), LOC126863160 (CDK7 strongly-dependent group 2 enhancer GRCh37_chr22:42462918-42464117; plus strand). Cytogenetic location: 22q13.2.
Variant type: single nucleotide variant.
Coding change: c.40C>T on transcript NM_000262.3 (MANE Select); coding-DNA position 40, C replaced by T.
Protein change: p.Gln14Ter; replaces glutamine 14 with a stop codon.
Molecular consequence: nonsense.
Genome position (GRCh38, 1-based): chr22:42,068,551, G>A on the plus strand (C>T on the coding strand, the complement: NAGA is on the minus strand). VCF-style: chr22-42068551-G-A. GRCh37 (hg19) VCF-style: chr22-42464555-G-A.
Other names: c.40C>T, p.Gln14Ter (NM_001362848.1, NM_001362850.1); short protein forms Q14*.
Identifiers: ClinVar variation 3896257 (VCV003896257.2).

ClinVar aggregate classification (germline): Pathogenic (1 of 4 stars; one submission).

Conditions:
Alpha-N-acetylgalactosaminidase deficiency. Identifiers: Orphanet 3137, MedGen C5848084, MONDO:0017779.

gnomAD v4.1: 3 of 1,614,142 alleles (0.00019%); highest among the groups gnomAD compares: Non-Finnish European, 0.00025%; no homozygotes.

Submission:

Women's Health and Genetics/Laboratory Corporation of America, LabCorp
Classification: Pathogenic for Alpha-N-acetylgalactosaminidase deficiency. Last evaluated: 2025-04-15. Review status: criteria provided, single submitter. Criteria: LabCorp Variant Classification Summary - May 2015. Collection method: clinical testing. Allele origin: germline.
Comment: Variant summary: NAGA c.40C>T (p.Gln14X) results in a premature termination codon, predicted to cause absence of the protein due to nonsense mediated decay, which is a commonly known mechanism for disease. The variant allele was found at a frequency of 8e-06 in 251388 control chromosomes (gnomAD). To our knowledge, no occurrence of c.40C>T in individuals affected with Schindler disease and no experimental evidence demonstrating its impact on protein function have been reported. No submitters have cited clinical-significance assessments for this variant to ClinVar. Based on the evidence outlined above, the variant was classified as pathogenic.